The following is an entry in ClinVar:

NM_017950.4(CCDC40):c.1200T>A (p.His400Gln)

Gene: CCDC40 (coiled-coil domain 40 molecular ruler complex subunit; plus strand). Cytogenetic location: 17q25.3.
Variant type: single nucleotide variant.
Coding change: c.1200T>A on transcript NM_017950.4 (MANE Select); coding-DNA position 1200, T replaced by A.
Protein change: p.His400Gln; replaces histidine 400 with glutamine.
Molecular consequence: missense variant.
Genome position (GRCh38, 1-based): chr17:80,058,534, T>A. VCF-style: chr17-80058534-T-A. GRCh37 (hg19) VCF-style: chr17-78032333-T-A.
Other names: c.1200T>A, p.His400Gln (NM_001243342.2, NM_001330508.2); short protein forms H400Q.
Identifiers: ClinVar variation 216698 (VCV000216698.6), dbSNP rs773046353, ClinGen allele CA337309.

ClinVar aggregate classification (germline): Uncertain significance. Review status: criteria provided, multiple submitters, no conflicts (2 of 4 stars). 2 submissions from 2 submitters: Uncertain significance (2). Last evaluated 2024-08-20.

Conditions:
Primary ciliary dyskinesia. Also called: Ciliary dyskinesia. Identifiers: Orphanet 244, MedGen C0008780, MONDO:0016575, HP:0012265.

Allele frequency attached by ClinVar (database versions not stated): gnomAD exomes 0.00001; ExAC 0.00002; gnomAD 0.00002; TOPMed 0.00002.
gnomAD v4.1: 37 of 1,613,974 alleles (0.0023%); highest among the groups gnomAD compares: Non-Finnish European, 0.0031%; no homozygotes.

Submissions (2):

Ambry Genetics
Classification: Uncertain significance for Primary ciliary dyskinesia. Last evaluated: 2024-08-20. Review status: criteria provided, single submitter. Criteria: Ambry Variant Classification Scheme 2023. Collection method: clinical testing. Allele origin: germline.

Labcorp Genetics (formerly Invitae), Labcorp
Classification: Uncertain significance for Primary ciliary dyskinesia. Last evaluated: 2021-12-02. Review status: criteria provided, single submitter. Criteria: Invitae Variant Classification Sherloc (09022015). Collection method: clinical testing. Allele origin: germline.
Comment: This sequence change replaces histidine, which is basic and polar, with glutamine, which is neutral and polar, at codon 400 of the CCDC40 protein (p.His400Gln). This variant is present in population databases (rs773046353, gnomAD 0.007%). This variant has not been reported in the literature in individuals affected with CCDC40-related conditions. ClinVar contains an entry for this variant (Variation ID: 216698). Algorithms developed to predict the effect of missense changes on protein structure and function (SIFT, PolyPhen-2, Align-GVGD) all suggest that this variant is likely to be tolerated. In summary, the available evidence is currently insufficient to determine the role of this variant in disease. Therefore, it has been classified as a Variant of Uncertain Significance.